The following is an entry in ClinVar:

NM_153252.5(BRWD3):c.4968_4969delinsAA (p.Gln1657Lys)

Gene: BRWD3 (bromodomain and WD repeat domain containing 3; minus strand). Cytogenetic location: Xq21.1.
Variant type: Indel.
Coding change: c.4968_4969delinsAA on transcript NM_153252.5 (MANE Select); coding-DNA positions 4968 to 4969, GC replaced by AA.
Protein change: p.Gln1657Lys; replaces glutamine 1657 with lysine.
Molecular consequence: missense variant.
Genome position (GRCh38, 1-based): chrX:80,677,049-80,677,050, GC replaced by TT on the plus strand (GC replaced by AA on the coding strand, the reverse complement: BRWD3 is on the minus strand). VCF-style: chrX-80677049-GC-TT. GRCh37 (hg19) VCF-style: chrX-79932548-GC-TT.
Other names: short protein forms Q1657K.
Identifiers: ClinVar variation 2877994 (VCV002877994.3), dbSNP rs2520199454, ClinGen allele CA2739273597.

ClinVar aggregate classification (germline): Uncertain significance (1 of 4 stars; one submission).

Submission:

Labcorp Genetics (formerly Invitae), Labcorp
Classification: Uncertain significance. Last evaluated: 2023-04-09. Review status: criteria provided, single submitter. Criteria: Invitae Variant Classification Sherloc (09022015). Collection method: clinical testing. Allele origin: germline.
Comment: This sequence change replaces glutamine, which is neutral and polar, with lysine, which is basic and polar, at codon 1657 of the BRWD3 protein (p.Gln1657Lys). In summary, the available evidence is currently insufficient to determine the role of this variant in disease. Therefore, it has been classified as a Variant of Uncertain Significance. Experimental studies and prediction algorithms are not available or were not evaluated, and the functional significance of this variant is currently unknown. This variant has not been reported in the literature in individuals affected with BRWD3-related conditions. Information on the frequency of this variant in the gnomAD database is not available, as this variant may be reported differently in the database.